The following is an entry in ClinVar:

NM_147127.5(EVC2):c.2855_2858delinsCACTCA (p.Arg952fs)

Gene: EVC2 (EvC ciliary complex subunit 2; minus strand). Cytogenetic location: 4p16.2.
Variant type: Indel.
Coding change: c.2855_2858delinsCACTCA on transcript NM_147127.5 (MANE Select); coding-DNA positions 2855 to 2858, GAGT replaced by CACTCA.
Protein change: p.Arg952fs; shifts the reading frame from arginine 952.
Molecular consequence: frameshift variant.
Genome position (GRCh38, 1-based): chr4:5,584,822-5,584,825, ACTC replaced by TGAGTG on the plus strand (GAGT replaced by CACTCA on the coding strand, the reverse complement: EVC2 is on the minus strand). VCF-style: chr4-5584822-ACTC-TGAGTG. GRCh37 (hg19) VCF-style: chr4-5586549-ACTC-TGAGTG.
Other names: c.2615_2618delinsCACTCA, p.Arg872fs (NM_001166136.2); short protein forms R872fs, R952fs.
Identifiers: ClinVar variation 1725053 (VCV001725053.2), dbSNP rs2475236631, ClinGen allele CA2580070743.

ClinVar aggregate classification (germline): Likely pathogenic (1 of 4 stars; one submission).

Conditions:
Ellis-van Creveld syndrome (EVC). Also called: EVC-Related Ellis-van Creveld Syndrome; EVC2-Related Ellis-van Creveld Syndrome; MESOECTODERMAL DYSPLASIA; Chondroectodermal dysplasia. Identifiers: Orphanet 289, MedGen C0013903, MONDO:0009162, OMIM 225500.

Submission:

Myriad Genetics, Inc.
Classification: Likely pathogenic for Ellis-van Creveld syndrome. Last evaluated: 2022-03-06. Review status: criteria provided, single submitter. Criteria: Myriad Women's Health Autosomal Recessive and X-Linked Classification Criteria (2021). Collection method: clinical testing. Allele origin: unknown.
Comment: NM_147127.4(EVC2):c.2855_2858del4ins6(R952Tfs*28) is expected to be pathogenic in the context of EVC2-related Ellis-van Creveld syndrome. This variant is predicted to lead to an abnormal or absent protein product due to the creation of a premature termination codon in EVC2, a gene where loss-of-function variants are known to be pathogenic. Please note: this variant was assessed in the context of healthy population screening.